The following is an entry in ClinVar:

ClinVar aggregate classification (germline): Uncertain significance (1 of 4 stars; one submission).

Submission:

Labcorp Genetics (formerly Invitae), Labcorp
Classification: Uncertain significance. Last evaluated: 2024-01-24. Review status: criteria provided, single submitter. Criteria: Invitae Variant Classification Sherloc (09022015). Collection method: clinical testing. Allele origin: germline.
Comment: This sequence change replaces serine, which is neutral and polar, with threonine, which is neutral and polar, at codon 140 of the FBXO11 protein (p.Ser140Thr). This variant is not present in population databases (gnomAD no frequency). This variant has not been reported in the literature in individuals affected with FBXO11-related conditions. An algorithm developed to predict the effect of missense changes on protein structure and function (PolyPhen-2) suggests that this variant is likely to be tolerated. In summary, the available evidence is currently insufficient to determine the role of this variant in disease. Therefore, it has been classified as a Variant of Uncertain Significance.

NM_001190274.2(FBXO11):c.418T>A (p.Ser140Thr)

Gene: FBXO11 (F-box protein 11; minus strand). Cytogenetic location: 2p16.3.
Variant type: single nucleotide variant.
Coding change: c.418T>A on transcript NM_001190274.2 (MANE Select); coding-DNA position 418, T replaced by A.
Protein change: p.Ser140Thr; replaces serine 140 with threonine.
Molecular consequence: missense variant.
Genome position (GRCh38, 1-based): chr2:47,839,443, A>T on the plus strand (T>A on the coding strand, the complement: FBXO11 is on the minus strand). VCF-style: chr2-47839443-A-T. GRCh37 (hg19) VCF-style: chr2-48066582-A-T.
Other names: c.166T>A, p.Ser56Thr (NM_001374325.1, NM_025133.4); short protein forms S140T, S56T.
Identifiers: ClinVar variation 2835223 (VCV002835223.3), dbSNP rs2531259935, ClinGen allele CA346813365.